The following is an entry in ClinVar:

NM_016239.4(MYO15A):c.5091T>G (p.Pro1697=)

Gene: MYO15A (myosin XVA; plus strand). Cytogenetic location: 17p11.2.
Variant type: single nucleotide variant.
Coding change: c.5091T>G on transcript NM_016239.4 (MANE Select); coding-DNA position 5091, T replaced by G.
Protein change: p.Pro1697=; no amino-acid change (proline 1697 retained).
Molecular consequence: synonymous variant.
Genome position (GRCh38, 1-based): chr17:18,138,894, T>G. VCF-style: chr17-18138894-T-G. GRCh37 (hg19) VCF-style: chr17-18042208-T-G.
Other names: c.5091T>G (NM_016239.3).
Identifiers: ClinVar variation 2956637 (VCV002956637.4), dbSNP rs761998143, ClinGen allele CA8424132.

ClinVar aggregate classification (germline): Likely benign. Review status: criteria provided, multiple submitters, no conflicts (2 of 4 stars). 2 submissions from 2 submitters: Likely benign (2). Last evaluated 2026-02-18.

Conditions:
MYO15A-related disorder. Also called: MYO15A-related condition.

Allele frequency attached by ClinVar (database versions not stated): ExAC 0.00001; gnomAD 0.00001; gnomAD exomes 0.00002.
gnomAD v4.1: 29 of 1,613,180 alleles (0.0018%); highest among the groups gnomAD compares: Middle Eastern, 0.016%; no homozygotes.

Submissions (2):

PreventionGenetics, part of Exact Sciences
Classification: Likely benign for MYO15A-related condition. Last evaluated: 2026-02-18. Review status: criteria provided, single submitter. Criteria: ACMG Guidelines, 2015. Collection method: clinical testing. Allele origin: germline.
Comment: This variant is classified as likely benign based on ACMG/AMP sequence variant interpretation guidelines (Richards et al. 2015 PMID: 25741868, with internal and published modifications).

Labcorp Genetics (formerly Invitae), Labcorp
Classification: Likely benign. Last evaluated: 2024-01-28. Review status: criteria provided, single submitter. Criteria: Invitae Variant Classification Sherloc (09022015). Collection method: clinical testing. Allele origin: germline.